The following is an entry in ClinVar:

NM_001130823.3(DNMT1):c.4233G>T (p.Trp1411Cys)

Gene: DNMT1 (DNA methyltransferase 1; minus strand). Cytogenetic location: 19p13.2.
Variant type: single nucleotide variant.
Coding change: c.4233G>T on transcript NM_001130823.3 (MANE Select); coding-DNA position 4233, G replaced by T.
Protein change: p.Trp1411Cys; replaces tryptophan 1411 with cysteine.
Molecular consequence: missense variant.
Genome position (GRCh38, 1-based): chr19:10,137,892, C>A on the plus strand (G>T on the coding strand, the complement: DNMT1 is on the minus strand). VCF-style: chr19-10137892-C-A. GRCh37 (hg19) VCF-style: chr19-10248568-C-A.
Other names: c.4185G>T, p.Trp1395Cys (NM_001318730.2, NM_001379.4); c.3870G>T, p.Trp1290Cys (NM_001318731.2); short protein forms W1411C, W1395C, W1290C.
Identifiers: ClinVar variation 4691250 (VCV004691250.1).

ClinVar aggregate classification (germline): Uncertain significance (1 of 4 stars; one submission).

Conditions:
Hereditary sensory neuropathy-deafness-dementia syndrome. Also called: NEUROPATHY, HEREDITARY SENSORY, WITH HEARING LOSS AND DEMENTIA; HSN IE; Hereditary sensory neuropathy type IE; Hereditary Sensory and Autonomic Neuropathy Type 1E (HSAN1E). Identifiers: Orphanet 456318, MedGen C3279885, MONDO:0013584, OMIM 614116.

gnomAD v4.1: 19 of 1,613,474 alleles (0.0012%); highest among the groups gnomAD compares: Non-Finnish European, 0.0015%; no homozygotes.

Submission:

Labcorp Genetics (formerly Invitae), Labcorp
Classification: Uncertain significance for Hereditary sensory neuropathy-deafness-dementia syndrome. Last evaluated: 2025-09-22. Review status: criteria provided, single submitter. Criteria: Invitae Variant Classification Sherloc (09022015). Collection method: clinical testing. Allele origin: germline.
Comment: This sequence change replaces tryptophan, which is neutral and slightly polar, with cysteine, which is neutral and slightly polar, at codon 1411 of the DNMT1 protein (p.Trp1411Cys). This variant is present in population databases (no rsID available, gnomAD 0.002%). This variant has not been reported in the literature in individuals affected with DNMT1-related conditions. Invitae Evidence Modeling of protein sequence and biophysical properties (such as structural, functional, and spatial information, amino acid conservation, physicochemical variation, residue mobility, and thermodynamic stability) indicates that this missense variant is not expected to disrupt DNMT1 protein function with a negative predictive value of 80%. In summary, the available evidence is currently insufficient to determine the role of this variant in disease. Therefore, it has been classified as a Variant of Uncertain Significance.